The following is an entry in ClinVar:

ClinVar aggregate classification (germline): Benign/Likely benign. Review status: criteria provided, multiple submitters, no conflicts (2 of 4 stars). 4 submissions from 4 submitters: Benign (2); Likely benign (1). 1 of the submissions does not count toward it. Last evaluated 2026-04-20.

Conditions:
OAS1-related disorder. Also called: OAS1-related condition.

Allele frequency attached by ClinVar (database versions not stated): gnomAD exomes 0.00026 and 0.00058; ExAC 0.00078; gnomAD 0.00242 and 0.00250; 1000 Genomes Project 30x 0.00250; ESP Exome Variant Server 0.00254; TOPMed 0.00258; 1000 Genomes Project 0.00260.
gnomAD v4.1: 818 of 1,614,136 alleles (0.051%); highest among the groups gnomAD compares: African/African-American, 0.81%; 4 homozygotes.

Submissions (4):

Women's Health and Genetics/Laboratory Corporation of America, LabCorp
Classification: Benign. Last evaluated: 2026-04-20. Review status: criteria provided, single submitter. Criteria: LabCorp Variant Classification Summary - May 2015. Collection method: clinical testing. Allele origin: germline.

Labcorp Genetics (formerly Invitae), Labcorp
Classification: Benign. Last evaluated: 2026-01-25. Review status: criteria provided, single submitter. Criteria: Invitae Variant Classification Sherloc (09022015). Collection method: clinical testing. Allele origin: germline.

Blueprint Genetics
Classification: Likely benign. Last evaluated: 2024-11-11. Review status: criteria provided, single submitter. Criteria: ACMG Guidelines, 2015. Collection method: clinical testing. Allele origin: germline.

PreventionGenetics, part of Exact Sciences
Classification: Likely benign for OAS1-related condition. Last evaluated: 2024-02-20. Review status: no assertion criteria provided. Collection method: clinical testing. Allele origin: germline. Not counted in ClinVar's aggregate classification.
Comment: This variant is classified as likely benign based on ACMG/AMP sequence variant interpretation guidelines (Richards et al. 2015 PMID: 25741868, with internal and published modifications).

NM_016816.4(OAS1):c.903G>A (p.Pro301=)

Gene: OAS1 (2'-5'-oligoadenylate synthetase 1; plus strand). Cytogenetic location: 12q24.13.
Variant type: single nucleotide variant.
Coding change: c.903G>A on transcript NM_016816.4 (MANE Select); coding-DNA position 903, G replaced by A.
Protein change: p.Pro301=; no amino-acid change (proline 301 retained).
Molecular consequence: synonymous variant.
Genome position (GRCh38, 1-based): chr12:112,917,565, G>A. VCF-style: chr12-112917565-G-A. GRCh37 (hg19) VCF-style: chr12-113355370-G-A.
Other names: c.903G>A, p.Pro301= (NM_001032409.3, NM_001320151.2, NM_002534.4); c.903G>A (NM_001032409.2).
Identifiers: ClinVar variation 1165530 (VCV001165530.13), dbSNP rs77298087, ClinGen allele CA6799935.